The following is an entry in ClinVar:

ClinVar aggregate classification (germline): Benign/Likely benign. Review status: criteria provided, multiple submitters, no conflicts (2 of 4 stars). 7 submissions from 7 submitters: Benign (1); Likely benign (5). 1 of the submissions does not count toward it. Last evaluated 2026-01-21.

Conditions:
Aicardi-Goutieres syndrome 6 (AGS6). Identifiers: Orphanet 51, MedGen C3539013, MONDO:0014007, OMIM 615010.
Symmetrical dyschromatosis of extremities (DSH). Also called: Dyschromatosis symmetrica hereditaria; DYSCHROMATOSIS SYMMETRICA HEREDITARIA 1; RETICULATE ACROPIGMENTATION OF DOHI; SYMMETRIC DYSCHROMATOSIS OF THE EXTREMITIES. Identifiers: Orphanet 41, MedGen C0406775, MONDO:0007483, OMIM 127400.
ADAR-related disorder. Also called: ADAR-related disorders; ADAR-related condition.

Allele frequency attached by ClinVar (database versions not stated): TOPMed 0.00018; ESP Exome Variant Server 0.00038; gnomAD 0.00039 and 0.00042; gnomAD exomes 0.00059 and 0.00074; 1000 Genomes Project 30x 0.00078; ExAC 0.00080; 1000 Genomes Project 0.00100.
gnomAD v4.1: 922 of 1,614,168 alleles (0.057%); highest among the groups gnomAD compares: South Asian, 0.19%; 5 homozygotes.

Submissions (7):

Labcorp Genetics (formerly Invitae), Labcorp
Classification: Likely benign for Aicardi-Goutieres syndrome 6; Symmetrical dyschromatosis of extremities. Last evaluated: 2026-01-21. Review status: criteria provided, single submitter. Criteria: Invitae Variant Classification Sherloc (09022015). Collection method: clinical testing. Allele origin: germline.

Women's Health and Genetics/Laboratory Corporation of America, LabCorp
Classification: Likely benign. Last evaluated: 2025-09-02. Review status: criteria provided, single submitter. Criteria: LabCorp Variant Classification Summary - May 2015. Collection method: clinical testing. Allele origin: germline.
Comment: Variant summary: ADAR c.772G>A (p.Gly258Arg) results in a non-conservative amino acid change in the encoded protein sequence. Algorithms developed to predict the effect of missense changes on protein structure and function are either unavailable or do not agree on the potential impact of this missense change. The variant allele was found at a frequency of 0.00074 in 251476 control chromosomes, predominantly at a frequency of 0.0023 within the South Asian subpopulation in the gnomAD database, including 2 homozygotes. The observed variant frequency within South Asian control individuals in the gnomAD database exceeds the estimated maximal expected allele frequency for disease-causing variants in ADAR. To our knowledge, no occurrence of c.772G>A in individuals affected with ADAR-related conditions and no experimental evidence demonstrating its impact on protein function have been reported. ClinVar contains an entry for this variant (Variation ID: 292782). Based on the evidence outlined above, the variant was classified as likely benign.

Blueprint Genetics
Classification: Likely benign. Last evaluated: 2024-08-08. Review status: criteria provided, single submitter. Criteria: ACMG Guidelines, 2015. Collection method: clinical testing. Allele origin: germline.

Genome-Nilou Lab
Classification: Likely benign for Aicardi-Goutieres syndrome 6. Last evaluated: 2023-04-11. Review status: criteria provided, single submitter. Criteria: ACMG Guidelines, 2015. Collection method: clinical testing. Allele origin: germline. Affected: no.

GeneDx
Classification: Likely benign. Last evaluated: 2021-03-23. Review status: criteria provided, single submitter. Criteria: GeneDx Variant Classification Process June 2021. Collection method: clinical testing. Allele origin: germline. Affected: yes.

Illumina Laboratory Services, Illumina
Classification: Benign for Symmetrical dyschromatosis of extremities. Last evaluated: 2018-01-13. Review status: criteria provided, single submitter. Criteria: ICSL Variant Classification Criteria 13 December 2019. Collection method: clinical testing. Allele origin: germline.
Comment: This variant was observed in the ICSL laboratory as part of a predisposition screen in an ostensibly healthy population. It had not been previously curated by ICSL or reported in the Human Gene Mutation Database (HGMD: prior to June 1st, 2018), and was therefore a candidate for classification through an automated scoring system. Utilizing variant allele frequency, disease prevalence and penetrance estimates, and inheritance mode, an automated score was calculated to assess if this variant is too frequent to cause the disease. Based on the score and internal cut-off values, a variant classified as benign is not then subjected to further curation. The score for this variant resulted in a classification of benign for this disease.

PreventionGenetics, part of Exact Sciences
Classification: Likely benign for ADAR-related condition. Last evaluated: 2024-06-12. Review status: no assertion criteria provided. Collection method: clinical testing. Allele origin: germline. Not counted in ClinVar's aggregate classification.
Comment: This variant is classified as likely benign based on ACMG/AMP sequence variant interpretation guidelines (Richards et al. 2015 PMID: 25741868, with internal and published modifications).

NM_001111.5(ADAR):c.772G>A (p.Gly258Arg)

Gene: ADAR (adenosine deaminase RNA specific; minus strand). Cytogenetic location: 1q21.3.
Variant type: single nucleotide variant.
Coding change: c.772G>A on transcript NM_001111.5 (MANE Select); coding-DNA position 772, G replaced by A.
Protein change: p.Gly258Arg; replaces glycine 258 with arginine.
Molecular consequence: missense variant. On other transcripts: 5 prime UTR variant (6).
Genome position (GRCh38, 1-based): chr1:154,601,870, C>T on the plus strand (G>A on the coding strand, the complement: ADAR is on the minus strand). VCF-style: chr1-154601870-C-T. GRCh37 (hg19) VCF-style: chr1-154574346-C-T.
Other names: c.772G>A, p.Gly258Arg (LRG_1212t1, NM_015840.4, NM_015841.4); c.-114G>A (NM_001025107.3, NM_001193495.2, NM_001365046.1 and 3 more transcripts); c.799G>A, p.Gly267Arg (NM_001365045.1); short protein forms G258R, G267R.
Identifiers: ClinVar variation 292782 (VCV000292782.21), dbSNP rs201143561, ClinGen allele CA1131639.